The following is an entry in ClinVar:

ClinVar aggregate classification (germline): Uncertain significance (1 of 4 stars; one submission).

Allele frequency attached by ClinVar (database versions not stated): TOPMed 0.00003; ESP Exome Variant Server 0.00008; gnomAD 0.00002.
gnomAD v4.1: 9 of 1,613,670 alleles (0.00056%); highest among the groups gnomAD compares: Non-Finnish European, 0.00076%; no homozygotes.

Submission:

Labcorp Genetics (formerly Invitae), Labcorp
Classification: Uncertain significance. Last evaluated: 2022-02-04. Review status: criteria provided, single submitter. Criteria: Invitae Variant Classification Sherloc (09022015). Collection method: clinical testing. Allele origin: germline.
Comment: In summary, the available evidence is currently insufficient to determine the role of this variant in disease. Therefore, it has been classified as a Variant of Uncertain Significance. Algorithms developed to predict the effect of sequence changes on RNA splicing suggest that this variant is not likely to affect RNA splicing. ClinVar contains an entry for this variant (Variation ID: 1056232). This variant has not been reported in the literature in individuals affected with GRM6-related conditions. This variant is present in population databases (rs368716994, gnomAD 0.007%). This sequence change affects codon 500 of the GRM6 mRNA. It is a 'silent' change, meaning that it does not change the encoded amino acid sequence of the GRM6 protein. It affects a nucleotide within the consensus splice site.

NM_000843.4(GRM6):c.1500T>C (p.Asp500=)

Genes: GRM6 (glutamate metabotropic receptor 6; minus strand), ZNF454 (zinc finger protein 454; plus strand). Cytogenetic location: 5q35.3.
Variant type: single nucleotide variant.
Coding change: c.1500T>C on transcript NM_000843.4 (MANE Select); coding-DNA position 1500, T replaced by C.
Protein change: p.Asp500=; no amino-acid change (aspartic acid 500 retained).
Molecular consequence: synonymous variant.
Genome position (GRCh38, 1-based): chr5:178,986,838, A>G on the plus strand (T>C on the coding strand, the complement: GRM6 is on the minus strand). VCF-style: chr5-178986838-A-G. GRCh37 (hg19) VCF-style: chr5-178413839-A-G.
Identifiers: ClinVar variation 1056232 (VCV001056232.9), dbSNP rs368716994, ClinGen allele CA133026419.
Genomic context (GRCh38, chr5:178,986,838, plus strand): 5'-GGGCGTCTGCCTCCGGGATCCTGGGCCCATGCCCACCTGGGGCTCGGTCTGCACACTCAC[A>G]TCCAGTCTGAGGGTCTCTGCCCACTGGCCCACTGCCTGGTACCCGCCACTGCTGGCACTG-3'
Protein context (NP_000834.2, residues 490-510): VGQWAETLRL[Asp500=]VEALQWSGDP